The following is an entry in ClinVar:

NM_053025.4(MYLK):c.1205G>A (p.Arg402Lys)

Gene: MYLK (myosin light chain kinase; minus strand). Cytogenetic location: 3q21.1.
Variant type: single nucleotide variant.
Coding change: c.1205G>A on transcript NM_053025.4 (MANE Select); coding-DNA position 1205, G replaced by A.
Protein change: p.Arg402Lys; replaces arginine 402 with lysine.
Molecular consequence: missense variant.
Genome position (GRCh38, 1-based): chr3:123,733,791, C>T on the plus strand (G>A on the coding strand, the complement: MYLK is on the minus strand). VCF-style: chr3-123733791-C-T. GRCh37 (hg19) VCF-style: chr3-123452638-C-T.
Other names: c.677G>A, p.Arg226Lys (NM_001321309.2); c.1205G>A, p.Arg402Lys (NM_053026.4, NM_053027.4, NM_053028.4); short protein forms R226K, R402K.
Identifiers: ClinVar variation 848877 (VCV000848877.9), dbSNP rs2062575448, ClinGen allele CA354239173.

ClinVar aggregate classification (germline): Uncertain significance (1 of 4 stars; one submission).

Conditions:
Aortic aneurysm, familial thoracic 7 (AAT7). Also called: AORTIC DISSECTION, FAMILIAL, WITH OR WITHOUT AORTIC ANEURYSM. Identifiers: MedGen C3151077, MONDO:0013418, OMIM 613780.

Submission:

Labcorp Genetics (formerly Invitae), Labcorp
Classification: Uncertain significance for Aortic aneurysm, familial thoracic 7. Last evaluated: 2019-02-15. Review status: criteria provided, single submitter. Criteria: Invitae Variant Classification Sherloc (09022015). Collection method: clinical testing. Allele origin: germline.
Comment: In summary, the available evidence is currently insufficient to determine the role of this variant in disease. Therefore, it has been classified as a Variant of Uncertain Significance. Algorithms developed to predict the effect of missense changes on protein structure and function output the following: SIFT: "Tolerated"; PolyPhen-2: "Benign"; Align-GVGD: "Class C0". The lysine amino acid residue is found in multiple mammalian species, suggesting that this missense change does not adversely affect protein function. These predictions have not been confirmed by published functional studies and their clinical significance is uncertain. This variant has not been reported in the literature in individuals with MYLK-related conditions. This variant is not present in population databases (ExAC no frequency). This sequence change replaces arginine with lysine at codon 402 of the MYLK protein (p.Arg402Lys). The arginine residue is weakly conserved and there is a small physicochemical difference between arginine and lysine.